The following is an entry in ClinVar:

NM_001848.3(COL6A1):c.1776+174G>A

Gene: COL6A1 (collagen type VI alpha 1 chain; plus strand). Cytogenetic location: 21q22.3.
Variant type: single nucleotide variant.
Coding change: c.1776+174G>A on transcript NM_001848.3 (MANE Select); 174 bases into the intron after coding-DNA position 1776, G replaced by A.
Molecular consequence: intron variant.
Genome position (GRCh38, 1-based): chr21:45,999,866, G>A. VCF-style: chr21-45999866-G-A. GRCh37 (hg19) VCF-style: chr21-47419780-G-A.
Identifiers: ClinVar variation 679951 (VCV000679951.2), dbSNP rs8130255, ClinGen allele CA14865334.

ClinVar aggregate classification (germline): Benign. Review status: criteria provided, multiple submitters, no conflicts (2 of 4 stars). 2 submissions from 2 submitters: Benign (2). Last evaluated 2018-06-14.

Allele frequency attached by ClinVar (database versions not stated): 1000 Genomes Project 30x 0.55840; gnomAD 0.76171.

Submissions (2):

GeneDx
Classification: Benign. Last evaluated: 2018-06-14. Review status: criteria provided, single submitter. Criteria: GeneDx Variant Classification (06012015). Collection method: clinical testing. Allele origin: germline. Affected: yes.
Comment: This variant is considered likely benign or benign based on one or more of the following criteria: it is a conservative change, it occurs at a poorly conserved position in the protein, it is predicted to be benign by multiple in silico algorithms, and/or has population frequency not consistent with disease.

Breakthrough Genomics
Classification: Benign. Review status: criteria provided, single submitter. Criteria: ACMG Guidelines, 2015. Collection method: not provided. Allele origin: germline. Inheritance: Autosomal recessive inheritance. Affected: yes.